The following is an entry in ClinVar:

NM_000334.4(SCN4A):c.5429T>C (p.Ile1810Thr)

Genes: GH-LCR (growth hormone locus control region; plus strand), SCN4A (sodium voltage-gated channel alpha subunit 4; minus strand). Cytogenetic location: 17q23.3.
Variant type: single nucleotide variant.
Coding change: c.5429T>C on transcript NM_000334.4 (MANE Select); coding-DNA position 5429, T replaced by C.
Protein change: p.Ile1810Thr; replaces isoleucine 1810 with threonine.
Molecular consequence: missense variant.
Genome position (GRCh38, 1-based): chr17:63,940,853, A>G on the plus strand (T>C on the coding strand, the complement: SCN4A is on the minus strand). VCF-style: chr17-63940853-A-G. GRCh37 (hg19) VCF-style: chr17-62018213-A-G.
Other names: short protein forms I1810T.
Identifiers: ClinVar variation 2180871 (VCV002180871.4), dbSNP rs1372284167, ClinGen allele CA400610288.
Genomic context (GRCh38, chr17:63,940,853, plus strand): 5'-CCTGGGCGCACAGTCTGCCCTGGGGGAGGGGCGGGAGGCCAGGCAGTGTCTGAGGGGCTG[A>G]TGGGCATCAGCCCCATAGTGGGTCCGGCGTCCCCTGCCTCGCCCTTCTCCTCCGGGCTTG-3'
Protein context (NP_000325.4, residues 1800-1820): DAGPTMGLMP[Ile1810Thr]SPSDTAWPPA

ClinVar aggregate classification (germline): Uncertain significance (1 of 4 stars; one submission).

Conditions:
Hyperkalemic periodic paralysis. Also called: Familial hyperkalemic periodic paralysis; Gamstorp disease. Identifiers: Orphanet 682, MedGen C0238357, MONDO:0008224, OMIM 170500, HP:0007215.

Allele frequency attached by ClinVar (database versions not stated): gnomAD exomes below 0.00001.
gnomAD v4.1: 2 of 1,612,700 alleles (0.00012%); highest among the groups gnomAD compares: Non-Finnish European, 0.00017%; no homozygotes.

Submission:

Labcorp Genetics (formerly Invitae), Labcorp
Classification: Uncertain significance for Hyperkalemic periodic paralysis. Last evaluated: 2022-05-19. Review status: criteria provided, single submitter. Criteria: Invitae Variant Classification Sherloc (09022015). Collection method: clinical testing. Allele origin: germline.
Comment: In summary, the available evidence is currently insufficient to determine the role of this variant in disease. Therefore, it has been classified as a Variant of Uncertain Significance. Algorithms developed to predict the effect of missense changes on protein structure and function output the following: SIFT: "Tolerated"; PolyPhen-2: "Benign"; Align-GVGD: "Class C0". The threonine amino acid residue is found in multiple mammalian species, which suggests that this missense change does not adversely affect protein function. This variant has not been reported in the literature in individuals affected with SCN4A-related conditions. This variant is present in population databases (no rsID available, gnomAD 0.002%). This sequence change replaces isoleucine, which is neutral and non-polar, with threonine, which is neutral and polar, at codon 1810 of the SCN4A protein (p.Ile1810Thr).